The following is an entry in ClinVar:

ClinVar aggregate classification (germline): Benign. Review status: criteria provided, multiple submitters, no conflicts (2 of 4 stars). 3 submissions from 3 submitters: Benign (3). Last evaluated 2025-10-10.

Conditions:
Early-infantile DEE. Also called: Ohtahara syndrome; Early infantile epileptic encephalopathy with suppression bursts; Early infantile epileptic encephalopathy. Identifiers: Orphanet 1934, MedGen C0393706, MONDO:0800491.

Allele frequency attached by ClinVar (database versions not stated): gnomAD 0.00001; gnomAD exomes 0.00005 and 0.00012; TOPMed 0.00006; ExAC 0.00010.
gnomAD v4.1: 31 of 1,612,060 alleles (0.0019%); highest among the groups gnomAD compares: Admixed American, 0.05%; no homozygotes.

Submissions (3):

Labcorp Genetics (formerly Invitae), Labcorp
Classification: Benign for Early-infantile DEE. Last evaluated: 2025-10-10. Review status: criteria provided, single submitter. Criteria: Invitae Variant Classification Sherloc (09022015). Collection method: clinical testing. Allele origin: germline.

Women's Health and Genetics/Laboratory Corporation of America, LabCorp
Classification: Benign. Last evaluated: 2023-06-29. Review status: criteria provided, single submitter. Criteria: LabCorp Variant Classification Summary - May 2015. Collection method: clinical testing. Allele origin: germline.
Comment: Variant summary: SCN1A c.2044-20A>G alters a nucleotide located close to a canonical splice site and therefore could affect mRNA splicing, leading to a significantly altered protein sequence. 4/4 computational tools predict no significant impact on normal splicing. However, these predictions have yet to be confirmed by functional studies. The variant allele was found at a frequency of 0.00012 in 250664 control chromosomes, predominantly at a frequency of 0.00084 within the Latino subpopulation in the gnomAD database. The observed variant frequency within Latino control individuals in the gnomAD database is approximately 47-fold of the estimated maximal expected allele frequency for a pathogenic variant in SCN1A causing SCN1A-Related Seizure Disorder phenotype (1.8e-05), strongly suggesting that the variant is a benign polymorphism found primarily in populations of Latino origin. To our knowledge, no occurrence of c.2044-20A>G in individuals affected with SCN1A-Related Seizure Disorder and no experimental evidence demonstrating its impact on protein function have been reported. Two submitters have cited clinical-significance assessments for this variant to ClinVar after 2014 and both classified the variant as benign. Based on the evidence outlined above, the variant was classified as benign.

GeneDx
Classification: Benign. Last evaluated: 2015-09-29. Review status: criteria provided, single submitter. Criteria: GeneDx Variant Classification (06012015). Collection method: clinical testing. Allele origin: germline. Affected: yes.
Comment: This variant is considered likely benign or benign based on one or more of the following criteria: it is a conservative change, it occurs at a poorly conserved position in the protein, it is predicted to be benign by multiple in silico algorithms, and/or has population frequency not consistent with disease.

NM_001165963.4(SCN1A):c.2044-20A>G

Gene: SCN1A (sodium voltage-gated channel alpha subunit 1; minus strand). Cytogenetic location: 2q24.3.
Variant type: single nucleotide variant.
Coding change: c.2044-20A>G on transcript NM_001165963.4 (MANE Select); 20 bases into the intron before coding-DNA position 2044, A replaced by G.
Molecular consequence: intron variant.
Genome position (GRCh38, 1-based): chr2:166,042,444, T>C on the plus strand (A>G on the coding strand, the complement: SCN1A is on the minus strand). VCF-style: chr2-166042444-T-C. GRCh37 (hg19) VCF-style: chr2-166898954-T-C.
Other names: c.2011-20A>G (NM_001353949.2, NM_001353950.2, NM_001353951.2 and 2 more transcripts); c.1960-20A>G (NM_001353958.2, NM_001353957.2, NM_001165964.3); c.2044-20A>G (NM_001202435.3, NM_001353948.2); c.2008-20A>G (NM_001353955.2, NM_001353954.2); c.1957-20A>G (NM_001353960.2); c.-415-20A>G (NM_001353961.2).
Identifiers: ClinVar variation 378513 (VCV000378513.10), dbSNP rs777660738, ClinGen allele CA1943200.